The following is an entry in ClinVar:

NM_005045.4(RELN):c.3495G>A (p.Trp1165Ter)

Gene: RELN (reelin; minus strand). Cytogenetic location: 7q22.1.
Variant type: single nucleotide variant.
Coding change: c.3495G>A on transcript NM_005045.4 (MANE Select); coding-DNA position 3495, G replaced by A.
Protein change: p.Trp1165Ter; replaces tryptophan 1165 with a stop codon.
Molecular consequence: nonsense.
Genome position (GRCh38, 1-based): chr7:103,596,500, C>T on the plus strand (G>A on the coding strand, the complement: RELN is on the minus strand). VCF-style: chr7-103596500-C-T. GRCh37 (hg19) VCF-style: chr7-103236947-C-T.
Other names: c.3495G>A, p.Trp1165Ter (NM_173054.3); short protein forms W1165*.
Identifiers: ClinVar variation 1338450 (VCV001338450.4), dbSNP rs2117254954, ClinGen allele CA368760627.

ClinVar aggregate classification (germline): Pathogenic (1 of 4 stars; one submission).

Submission:

Genetic Services Laboratory, University of Chicago
Classification: Pathogenic. Last evaluated: 2018-09-26. Review status: criteria provided, single submitter. Criteria: ACMG Guidelines, 2015. Collection method: clinical testing. Allele origin: germline. Affected: yes.
Comment: DNA sequence analysis of the RELN gene demonstrated a sequence changes, c.3495G>A, in exon 25 results in the creation of a premature stop codon at amino acid position 1165, p.Trp1165*. This sequence change does not appear to have been previously described in patients with RELN-related lissencephaly and has also not been described as a known benign sequence change in the RELN gene. This sequence change is predicted to result in an abnormal transcript, which is likely to be degraded. Pathogenic variants in RELN have been shown to be loss of function (Hong et al., 2000; Zaki et al., 2007).